The following is an entry in ClinVar:

NM_025216.3(WNT10A):c.627G>A (p.Trp209Ter)

Gene: WNT10A (Wnt family member 10A; plus strand). Cytogenetic location: 2q35.
Variant type: single nucleotide variant.
Coding change: c.627G>A on transcript NM_025216.3 (MANE Select); coding-DNA position 627, G replaced by A.
Protein change: p.Trp209Ter; replaces tryptophan 209 with a stop codon.
Molecular consequence: nonsense.
Genome position (GRCh38, 1-based): chr2:218,890,234, G>A. VCF-style: chr2-218890234-G-A. GRCh37 (hg19) VCF-style: chr2-219754956-G-A.
Other names: short protein forms W209*.
Identifiers: ClinVar variation 1453576 (VCV001453576.10), dbSNP rs1306584103, ClinGen allele CA350586738.

ClinVar aggregate classification (germline): Pathogenic/Likely pathogenic. Review status: criteria provided, multiple submitters, no conflicts (2 of 4 stars). 4 submissions from 4 submitters: Pathogenic (1); Likely pathogenic (3). Last evaluated 2023-04-26.

Conditions:
Odonto-onycho-dermal dysplasia. Identifiers: Orphanet 2721, MedGen C0796093, MONDO:0009773, OMIM 257980.
Tooth agenesis, selective, 4 (STHAG4). Also called: SUCCEDANEOUS TEETH, AGENESIS OF; TOOTH AGENESIS, SELECTIVE, 4, WITH OR WITHOUT ECTODERMAL DYSPLASIA; LATERAL INCISORS, ABSENCE OF; LATERAL INCISORS, PEGGED OR MISSING. Identifiers: Orphanet 99798, MedGen C1835492, MONDO:0007881, OMIM 150400. Disease mechanism: loss of function.
WNT10A-related disorder. Also called: WNT10A-related disorders; WNT10A-related condition.

Allele frequency attached by ClinVar (database versions not stated): gnomAD exomes below 0.00001; TOPMed below 0.00001; gnomAD 0.00001.
gnomAD v4.1: 3 of 1,613,728 alleles (0.00019%); highest among the groups gnomAD compares: South Asian, 0.0011%; no homozygotes.

Submissions (4):

Institute of Human Genetics, FAU Erlangen, Friedrich-Alexander-Universität Erlangen-Nürnberg
Classification: Likely pathogenic for Tooth agenesis, selective, 4. Last evaluated: 2023-04-26. Review status: criteria provided, single submitter. Criteria: Hauer et al. (Genet Med. 2018). Collection method: clinical testing. Allele origin: germline. Inheritance: Autosomal dominant inheritance. Affected: yes. Observed: 2 variant alleles.
Comment: This variant has been identified by standard clinical testing. Selected ACMG criteria: Likely pathogenic (I):PM2;PVS1

Labcorp Genetics (formerly Invitae), Labcorp
Classification: Pathogenic for Tooth agenesis, selective, 4; Odonto-onycho-dermal dysplasia. Last evaluated: 2023-01-19. Review status: criteria provided, single submitter. Criteria: Invitae Variant Classification Sherloc (09022015). Collection method: clinical testing. Allele origin: germline.
Comment: This sequence change creates a premature translational stop signal (p.Trp209*) in the WNT10A gene. It is expected to result in an absent or disrupted protein product. Loss-of-function variants in WNT10A are known to be pathogenic (PMID: 17847007, 22581971, 25629078). This variant is present in population databases (no rsID available, gnomAD 0.003%). This variant has not been reported in the literature in individuals affected with WNT10A-related conditions. ClinVar contains an entry for this variant (Variation ID: 1453576). For these reasons, this variant has been classified as Pathogenic.

Blueprint Genetics
Classification: Likely pathogenic for WNT10A-related disorders. Last evaluated: 2023-01-17. Review status: criteria provided, single submitter. Criteria: ACMG Guidelines, 2015. Collection method: clinical testing. Allele origin: germline. Affected: yes. Observed: 1 variant allele.

Revvity Omics, Revvity
Classification: Likely pathogenic. Last evaluated: 2021-12-05. Review status: criteria provided, single submitter. Criteria: ACMG Guidelines, 2015. Collection method: clinical testing. Allele origin: germline.

Literature cited by the submitters: PubMed 17847007 (cited by Labcorp Genetics (formerly Invitae), Labcorp); PubMed 22581971 (cited by Labcorp Genetics (formerly Invitae), Labcorp); PubMed 25629078 (cited by Labcorp Genetics (formerly Invitae), Labcorp).